The following is an entry in ClinVar:

ClinVar aggregate classification (germline): Benign/Likely benign. Review status: criteria provided, multiple submitters, no conflicts (2 of 4 stars). 3 submissions from 3 submitters: Benign (1); Likely benign (2). Last evaluated 2025-07-07.

Conditions:
Hereditary cancer-predisposing syndrome. Also called: Hereditary neoplastic syndrome; Neoplastic Syndromes, Hereditary; Tumor predisposition; Hereditary Cancer Syndrome. Identifiers: Orphanet 140162, MedGen C0027672, MeSH D009386, MONDO:0015356.
Lynch syndrome 5 (LYNCH5). Also called: Hereditary non-polyposis colorectal cancer, type 5; Colorectal cancer, hereditary nonpolyposis, type 5. Identifiers: Orphanet 144, MedGen C1833477, MONDO:0013710, OMIM 614350. Disease mechanism: loss of function.

Submissions (3):

Color Diagnostics, LLC DBA Color Health
Classification: Likely benign for Hereditary cancer-predisposing syndrome. Last evaluated: 2025-07-07. Review status: criteria provided, single submitter. Criteria: ACMG Guidelines, 2015. Collection method: clinical testing. Allele origin: germline.

Myriad Genetics, Inc.
Classification: Benign for Lynch syndrome 5. Last evaluated: 2024-12-30. Review status: criteria provided, single submitter. Criteria: Myriad Autosomal Dominant, Autosomal Recessive and X-Linked Classification Criteria (2023). Collection method: clinical testing. Allele origin: unknown.
Comment: This variant is considered benign. This variant is a silent/synonymous amino acid change and it is not expected to impact splicing.

Ambry Genetics
Classification: Likely benign for Hereditary cancer-predisposing syndrome. Last evaluated: 2024-10-03. Review status: criteria provided, single submitter. Criteria: Ambry Variant Classification Scheme 2023. Collection method: clinical testing. Allele origin: germline.

NM_000179.3(MSH6):c.2256T>C (p.Gly752=)

Gene: MSH6 (mutS homolog 6; plus strand). Cytogenetic location: 2p16.3.
Variant type: single nucleotide variant.
Coding change: c.2256T>C on transcript NM_000179.3 (MANE Select); coding-DNA position 2256, T replaced by C.
Protein change: p.Gly752=; no amino-acid change (glycine 752 retained).
Molecular consequence: synonymous variant.
Genome position (GRCh38, 1-based): chr2:47,800,239, T>C. VCF-style: chr2-47800239-T-C. GRCh37 (hg19) VCF-style: chr2-48027378-T-C.
Other names: c.1866T>C, p.Gly622= (NM_001281492.2); c.1350T>C, p.Gly450= (NM_001281493.2, NM_001281494.2).
Identifiers: ClinVar variation 185379 (VCV000185379.6), dbSNP rs786202129, ClinGen allele CA009907.